The following is an entry in ClinVar:

NM_004168.4(SDHA):c.509A>G (p.Gln170Arg)

Gene: SDHA (succinate dehydrogenase complex flavoprotein subunit A; plus strand). Cytogenetic location: 5p15.33.
Variant type: single nucleotide variant.
Coding change: c.509A>G on transcript NM_004168.4 (MANE Select); coding-DNA position 509, A replaced by G.
Protein change: p.Gln170Arg; replaces glutamine 170 with arginine.
Molecular consequence: missense variant.
Genome position (GRCh38, 1-based): chr5:225,935, A>G. VCF-style: chr5-225935-A-G. GRCh37 (hg19) VCF-style: chr5-226050-A-G.
Other names: c.365A>G, p.Gln122Arg (NM_001294332.2); c.509A>G, p.Gln170Arg (NM_001330758.2); short protein forms Q170R, Q122R.
Identifiers: ClinVar variation 1745313 (VCV001745313.6), dbSNP rs2126549625, ClinGen allele CA359010104.

ClinVar aggregate classification (germline): Uncertain significance. Review status: criteria provided, multiple submitters, no conflicts (2 of 4 stars). 2 submissions from 2 submitters: Uncertain significance (2). Last evaluated 2026-06-05.

Conditions:
Mitochondrial complex II deficiency, nuclear type 1. Also called: SUCCINATE CoQ REDUCTASE DEFICIENCY. Identifiers: Orphanet 3208, MedGen C5700310, MONDO:0100294, OMIM 252011.
Pheochromocytoma/paraganglioma syndrome 5. Also called: Paragangliomas 5; SDHA-Related Hereditary Paraganglioma-Pheochromocytoma Syndrome. Identifiers: Orphanet 29072, MedGen C3279992, MONDO:0013602, OMIM 614165.
Hereditary cancer-predisposing syndrome. Also called: Hereditary Cancer Syndrome; Hereditary neoplastic syndrome; Neoplastic Syndromes, Hereditary; Tumor predisposition. Identifiers: Orphanet 140162, MedGen C0027672, MeSH D009386, MONDO:0015356.

Allele frequency attached by ClinVar (database versions not stated): gnomAD exomes 0.00001.
gnomAD v4.1: 10 of 1,613,826 alleles (0.00062%); highest among the groups gnomAD compares: Non-Finnish European, 0.00085%; no homozygotes.

Submissions (2):

Ambry Genetics
Classification: Uncertain significance for Hereditary cancer-predisposing syndrome. Last evaluated: 2026-06-05. Review status: criteria provided, single submitter. Criteria: Ambry Variant Classification Scheme 2023. Collection method: clinical testing. Allele origin: germline.
Comment: The p.Q170R variant (also known as c.509A>G), located in coding exon 5 of the SDHA gene, results from an A to G substitution at nucleotide position 509. The glutamine at codon 170 is replaced by arginine, an amino acid with highly similar properties. This amino acid position is highly conserved in available vertebrate species. In addition, this alteration is predicted to be deleterious by in silico analysis. Based on the available evidence, the clinical significance of this variant remains unclear.

Labcorp Genetics (formerly Invitae), Labcorp
Classification: Uncertain significance for Pheochromocytoma/paraganglioma syndrome 5; Mitochondrial complex II deficiency, nuclear type 1. Last evaluated: 2023-10-24. Review status: criteria provided, single submitter. Criteria: Invitae Variant Classification Sherloc (09022015). Collection method: clinical testing. Allele origin: germline.
Comment: This sequence change replaces glutamine, which is neutral and polar, with arginine, which is basic and polar, at codon 170 of the SDHA protein (p.Gln170Arg). This variant is not present in population databases (gnomAD no frequency). This variant has not been reported in the literature in individuals affected with SDHA-related conditions. ClinVar contains an entry for this variant (Variation ID: 1745313). Advanced modeling of protein sequence and biophysical properties (such as structural, functional, and spatial information, amino acid conservation, physicochemical variation, residue mobility, and thermodynamic stability) has been performed at Invitae for this missense variant, however the output from this modeling did not meet the statistical confidence thresholds required to predict the impact of this variant on SDHA protein function. In summary, the available evidence is currently insufficient to determine the role of this variant in disease. Therefore, it has been classified as a Variant of Uncertain Significance.